The following is an entry in ClinVar:

NM_177438.3(DICER1):c.4206+7_4206+8dup

Gene: DICER1 (dicer 1, ribonuclease III; minus strand). Cytogenetic location: 14q32.13.
Variant type: Duplication.
Coding change: c.4206+7_4206+8dup on transcript NM_177438.3 (MANE Select); bases 7 to 8 of the intron after coding-DNA position 4206, 2 bases duplicated (TT; older notation c.4206+7_4206+8dupTT).
Molecular consequence: intron variant.
Genome position (GRCh38, 1-based): chr14:95,099,772-95,099,773, AA duplicated on the plus strand (TT on the coding strand, the reverse complement: DICER1 is on the minus strand); duplicating any 2 consecutive bases within chr14:95,099,772-95,099,774 gives the same sequence; the c. name uses the placement nearest the transcript's 3' end. VCF-style (leftmost placement, unchanged base first): chr14-95099771-C-CAA. GRCh37 (hg19) VCF-style: chr14-95566108-C-CAA.
Other names: p.?; c.4206+7_4206+8dup (NM_001291628.2, NM_030621.4, NM_001271282.3 and 2 more transcripts); c.4206+7_4206+8dupTT (NM_177438.3, NM_177438.2, NM_030621.4); c.4206+8_4206+9insTT (NM_177438.2).
Identifiers: ClinVar variation 221129 (VCV000221129.32), dbSNP rs1555368535, ClinGen allele CA348390.

ClinVar aggregate classification (germline): Conflicting classifications of pathogenicity. Review status: criteria provided, conflicting classifications (1 of 4 stars). 10 submissions from 10 submitters: Uncertain significance (1); Benign (7); Likely benign (2). Last evaluated 2026-04-14.

Conditions:
DICER1-related tumor predisposition. Also called: DICER1-related pleuropulmonary blastoma cancer predisposition syndrome; DICER1 syndrome. Identifiers: Orphanet 284343, MedGen C3839822, MONDO:0100216.

Submissions (10):

Myriad Genetics, Inc.
Classification: Likely benign for DICER1-related tumor predisposition. Last evaluated: 2026-04-14. Review status: criteria provided, single submitter. Criteria: Myriad Autosomal Dominant, Autosomal Recessive and X-Linked Classification Criteria (2023). Collection method: clinical testing. Allele origin: unknown.
Comment: This variant is considered likely benign. This variant is intronic and is not expected to impact mRNA splicing.

Labcorp Genetics (formerly Invitae), Labcorp
Classification: Benign for DICER1-related tumor predisposition. Last evaluated: 2026-02-04. Review status: criteria provided, single submitter. Criteria: Invitae Variant Classification Sherloc (09022015). Collection method: clinical testing. Allele origin: germline.

ARUP Laboratories, Molecular Genetics and Genomics, ARUP Laboratories
Classification: Benign. Last evaluated: 2025-04-14. Review status: criteria provided, single submitter. Criteria: ARUP Molecular Germline Variant Investigation Process 2024. Collection method: clinical testing. Allele origin: germline.

Center for Genomic Medicine, Rigshospitalet, Copenhagen University Hospital
Classification: Benign. Last evaluated: 2025-03-04. Review status: criteria provided, single submitter. Criteria: ACMG Guidelines, 2015. Collection method: clinical testing. Allele origin: germline.

Blueprint Genetics
Classification: Likely benign. Last evaluated: 2024-11-27. Review status: criteria provided, single submitter. Criteria: ACMG Guidelines, 2015. Collection method: clinical testing. Allele origin: germline.

Mayo Clinic Laboratories, Mayo Clinic
Classification: Benign. Last evaluated: 2024-10-29. Review status: criteria provided, single submitter. Criteria: ACMG Guidelines, 2015. Collection method: clinical testing. Allele origin: germline. Observed: 12 variant alleles.
Comment: BA1, BP4, BP7

Department of Pathology and Laboratory Medicine, Sinai Health System
Classification: Benign for DICER1-related tumor predisposition. Last evaluated: 2021-10-07. Review status: criteria provided, single submitter. Criteria: ACMG Guidelines, 2015. Collection method: clinical testing. Allele origin: germline.

Foulkes Cancer Genetics LDI, Lady Davis Institute for Medical Research
Classification: Uncertain significance. Last evaluated: 2019-07-01. Review status: criteria provided, single submitter. Criteria: ACMG Guidelines, 2015. Collection method: curation. Allele origin: germline. Affected: yes. Observed: 1 variant allele.
Comment: ACMG criteria met: None

PreventionGenetics, part of Exact Sciences
Classification: Benign. Last evaluated: 2019-01-17. Review status: criteria provided, single submitter. Criteria: ACMG Guidelines, 2015. Collection method: clinical testing. Allele origin: germline.

GeneDx
Classification: Benign. Last evaluated: 2017-09-06. Review status: criteria provided, single submitter. Criteria: GeneDx Variant Classification (06012015). Collection method: clinical testing. Allele origin: germline. Affected: yes.
Comment: This variant is considered likely benign or benign based on one or more of the following criteria: it is a conservative change, it occurs at a poorly conserved position in the protein, it is predicted to be benign by multiple in silico algorithms, and/or has population frequency not consistent with disease.

Literature cited by the submitters: PubMed 25451712 (cited by Mayo Clinic Laboratories, Mayo Clinic and Foulkes Cancer Genetics LDI, Lady Davis Institute for Medical Research).